The following is an entry in ClinVar:

NM_198578.4(LRRK2):c.5917A>G (p.Arg1973Gly)

Gene: LRRK2 (leucine rich repeat kinase 2; plus strand). Cytogenetic location: 12q12.
Variant type: single nucleotide variant.
Coding change: c.5917A>G on transcript NM_198578.4 (MANE Select); coding-DNA position 5917, A replaced by G.
Protein change: p.Arg1973Gly; replaces arginine 1973 with glycine.
Molecular consequence: missense variant.
Genome position (GRCh38, 1-based): chr12:40,335,126, A>G. VCF-style: chr12-40335126-A-G. GRCh37 (hg19) VCF-style: chr12-40728928-A-G.
Other names: short protein forms R1973G.
Identifiers: ClinVar variation 2453080 (VCV002453080.2), dbSNP rs2499930903, ClinGen allele CA384402398.

ClinVar aggregate classification (germline): Uncertain significance (1 of 4 stars; one submission).

Conditions:
Inborn genetic diseases. Identifiers: MedGen C0950123, MeSH D030342.

Submission:

Ambry Genetics
Classification: Uncertain significance for Inborn genetic diseases. Last evaluated: 2023-01-12. Review status: criteria provided, single submitter. Criteria: Ambry Variant Classification Scheme 2023. Collection method: clinical testing. Allele origin: germline.
Comment: The p.R1973G variant (also known as c.5917A>G), located in coding exon 40 of the LRRK2 gene, results from an A to G substitution at nucleotide position 5917. The arginine at codon 1973 is replaced by glycine, an amino acid with dissimilar properties. This amino acid position is conserved. In addition, this alteration is predicted to be deleterious by in silico analysis. Since supporting evidence is limited at this time, the clinical significance of this alteration remains unclear.